The following is an entry in ClinVar:

NM_001036.6(RYR3):c.3645G>C (p.Met1215Ile)

Gene: RYR3 (ryanodine receptor 3; plus strand). Cytogenetic location: 15q14.
Variant type: single nucleotide variant.
Coding change: c.3645G>C on transcript NM_001036.6 (MANE Select); coding-DNA position 3645, G replaced by C.
Protein change: p.Met1215Ile; replaces methionine 1215 with isoleucine.
Molecular consequence: missense variant.
Genome position (GRCh38, 1-based): chr15:33,644,399, G>C. VCF-style: chr15-33644399-G-C. GRCh37 (hg19) VCF-style: chr15-33936600-G-C.
Other names: c.3645G>C, p.Met1215Ile (NM_001243996.4); short protein forms M1215I.
Identifiers: ClinVar variation 461908 (VCV000461908.11), dbSNP rs908431118, ClinGen allele CA391576318.

ClinVar aggregate classification (germline): Uncertain significance (1 of 4 stars; one submission).

Conditions:
Epileptic encephalopathy. Identifiers: MedGen C0543888, HP:0200134.

Submission:

Labcorp Genetics (formerly Invitae), Labcorp
Classification: Uncertain significance for Epileptic encephalopathy. Last evaluated: 2022-07-12. Review status: criteria provided, single submitter. Criteria: Invitae Variant Classification Sherloc (09022015). Collection method: clinical testing. Allele origin: germline.
Comment: In summary, the available evidence is currently insufficient to determine the role of this variant in disease. Therefore, it has been classified as a Variant of Uncertain Significance. Algorithms developed to predict the effect of missense changes on protein structure and function are either unavailable or do not agree on the potential impact of this missense change (SIFT: "Deleterious"; PolyPhen-2: "Benign"; Align-GVGD: "Class C0"). ClinVar contains an entry for this variant (Variation ID: 461908). This variant has not been reported in the literature in individuals affected with RYR3-related conditions. This variant is not present in population databases (gnomAD no frequency). This sequence change replaces methionine, which is neutral and non-polar, with isoleucine, which is neutral and non-polar, at codon 1215 of the RYR3 protein (p.Met1215Ile).